The following is an entry in ClinVar:

NM_001458.5(FLNC):c.4984C>T (p.Gln1662Ter)

Gene: FLNC (filamin C; plus strand). Cytogenetic location: 7q32.1.
Variant type: single nucleotide variant.
Coding change: c.4984C>T on transcript NM_001458.5 (MANE Select); coding-DNA position 4984, C replaced by T.
Protein change: p.Gln1662Ter; replaces glutamine 1662 with a stop codon.
Molecular consequence: nonsense.
Genome position (GRCh38, 1-based): chr7:128,849,363, C>T. VCF-style: chr7-128849363-C-T. GRCh37 (hg19) VCF-style: chr7-128489417-C-T.
Other names: c.4984C>T, p.Gln1662Ter (NM_001127487.2); short protein forms Q1662*.
Identifiers: ClinVar variation 852214 (VCV000852214.10), dbSNP rs1808708673, ClinGen allele CA369203929.

ClinVar aggregate classification (germline): Pathogenic. Review status: criteria provided, multiple submitters, no conflicts (2 of 4 stars). 3 submissions from 3 submitters: Pathogenic (2). 1 of the submissions does not count toward it. Last evaluated 2025-03-20.

Conditions:
Myofibrillar myopathy 5. Also called: FILAMINOPATHY, AUTOSOMAL DOMINANT; Filaminopathy (type). Identifiers: Orphanet 171445, MedGen C1836050, MONDO:0012289, OMIM 609524.
Distal myopathy with posterior leg and anterior hand involvement. Also called: WILLIAMS DISTAL MYOPATHY. Identifiers: Orphanet 63273, MedGen C3279722, MONDO:0013550, OMIM 614065.
Hypertrophic cardiomyopathy 26. Also called: Cardiomyopathy, familial hypertrophic, 26. Identifiers: Orphanet 75249, MedGen C4310749, MONDO:0014883, OMIM 617047.

Submissions (3):

Labcorp Genetics (formerly Invitae), Labcorp
Classification: Pathogenic for Distal myopathy with posterior leg and anterior hand involvement; Myofibrillar myopathy 5; Hypertrophic cardiomyopathy 26. Last evaluated: 2025-03-20. Review status: criteria provided, single submitter. Criteria: Invitae Variant Classification Sherloc (09022015). Collection method: clinical testing. Allele origin: germline.
Comment: This sequence change creates a premature translational stop signal (p.Gln1662*) in the FLNC gene. It is expected to result in an absent or disrupted protein product. Loss-of-function variants in FLNC are known to be pathogenic (PMID: 27908349). This variant is not present in population databases (gnomAD no frequency). This variant has not been reported in the literature in individuals affected with FLNC-related conditions. ClinVar contains an entry for this variant (Variation ID: 852214). For these reasons, this variant has been classified as Pathogenic.

GeneDx
Classification: Pathogenic. Last evaluated: 2024-10-18. Review status: criteria provided, single submitter. Criteria: GeneDx Variant Classification Process June 2021. Collection method: clinical testing. Allele origin: germline. Affected: yes.
Comment: Nonsense variant predicted to result in protein truncation or nonsense mediated decay in a gene for which loss-of-function is a known mechanism of disease; Not observed at significant frequency in large population cohorts (gnomAD); This variant is associated with the following publications: (PMID: 37174721)

Clinical Genetics Laboratory, University Hospital Schleswig-Holstein
Classification: Pathogenic for Hypertrophic cardiomyopathy 26. Last evaluated: 2024-05-15. Review status: no assertion criteria provided. Collection method: clinical testing. Allele origin: germline. Affected: yes. Not counted in ClinVar's aggregate classification.

Literature cited by the submitters: PubMed 27908349 (cited by Labcorp Genetics (formerly Invitae), Labcorp).